The following is an entry in ClinVar:

NC_000004.11:g.(?_5711924)_(5817031_?)del

Gene: EVC (EvC ciliary complex subunit 1; plus strand). Cytogenetic location: 4p16.2.
Variant type: Deletion.
Identifiers: ClinVar variation 1459628 (VCV001459628.2).

ClinVar aggregate classification (germline): Pathogenic (1 of 4 stars; one submission).

Conditions:
Ellis-van Creveld syndrome (EVC). Also called: EVC-Related Ellis-van Creveld Syndrome; EVC2-Related Ellis-van Creveld Syndrome; MESOECTODERMAL DYSPLASIA; Chondroectodermal dysplasia. Identifiers: Orphanet 289, MedGen C0013903, MONDO:0009162, OMIM 225500.
Curry-Hall syndrome (WAD). Also called: WEYERS ACRODENTAL DYSOSTOSIS. Identifiers: Orphanet 952, MedGen C0457013, MONDO:0008673, OMIM 193530.

Submission:

Labcorp Genetics (formerly Invitae), Labcorp
Classification: Pathogenic for Curry-Hall syndrome; Ellis-van Creveld syndrome. Last evaluated: 2021-09-06. Review status: criteria provided, single submitter. Criteria: Invitae Variant Classification Sherloc (09022015). Collection method: clinical testing. Allele origin: germline.
Comment: A gross deletion of the genomic region encompassing the full coding sequence of the EVC gene has been identified. Loss-of-function variants in EVC are known to be pathogenic (PMID: 23220543). The boundaries of this event are unknown as they extend beyond the assayed region for this gene and therefore may encompass additional genes. This variant has not been reported in the literature in individuals affected with EVC-related conditions. For these reasons, this variant has been classified as Pathogenic.

Literature cited by the submitters: PubMed 23220543.